The following is an entry in ClinVar:

NM_001004334.4(GPR179):c.5983G>A (p.Ala1995Thr)

Gene: GPR179 (G protein-coupled receptor 179; minus strand). Cytogenetic location: 17q12.
Variant type: single nucleotide variant.
Coding change: c.5983G>A on transcript NM_001004334.4 (MANE Select); coding-DNA position 5983, G replaced by A.
Protein change: p.Ala1995Thr; replaces alanine 1995 with threonine.
Molecular consequence: missense variant.
Genome position (GRCh38, 1-based): chr17:38,327,586, C>T on the plus strand (G>A on the coding strand, the complement: GPR179 is on the minus strand). VCF-style: chr17-38327586-C-T. GRCh37 (hg19) VCF-style: chr17-36483469-C-T.
Other names: c.5983G>A (NM_001004334.2); short protein forms A1995T.
Identifiers: ClinVar variation 498667 (VCV000498667.12), dbSNP rs749758071, ClinGen allele CA290103195.

ClinVar aggregate classification (germline): Uncertain significance. Review status: criteria provided, multiple submitters, no conflicts (2 of 4 stars). 3 submissions from 3 submitters: Uncertain significance (3). Last evaluated 2024-08-05.

Conditions:
Inborn genetic diseases. Identifiers: MedGen C0950123, MeSH D030342.

Allele frequency attached by ClinVar (database versions not stated): gnomAD 0.00005 and 0.00008; TOPMed 0.00005; ExAC 0.00007; gnomAD exomes 0.00007.

Submissions (3):

Ambry Genetics
Classification: Uncertain significance for Inborn genetic diseases. Last evaluated: 2024-08-05. Review status: criteria provided, single submitter. Criteria: Ambry Variant Classification Scheme 2023. Collection method: clinical testing. Allele origin: germline.

Labcorp Genetics (formerly Invitae), Labcorp
Classification: Uncertain significance. Last evaluated: 2023-08-25. Review status: criteria provided, single submitter. Criteria: Invitae Variant Classification Sherloc (09022015). Collection method: clinical testing. Allele origin: germline.
Comment: In summary, the available evidence is currently insufficient to determine the role of this variant in disease. Therefore, it has been classified as a Variant of Uncertain Significance. Algorithms developed to predict the effect of missense changes on protein structure and function output the following: SIFT: "Not Available"; PolyPhen-2: "Benign"; Align-GVGD: "Not Available". The threonine amino acid residue is found in multiple mammalian species, which suggests that this missense change does not adversely affect protein function. ClinVar contains an entry for this variant (Variation ID: 498667). This variant has not been reported in the literature in individuals affected with GPR179-related conditions. This variant is present in population databases (rs749758071, gnomAD 0.06%), including at least one homozygous and/or hemizygous individual. This sequence change replaces alanine, which is neutral and non-polar, with threonine, which is neutral and polar, at codon 1995 of the GPR179 protein (p.Ala1995Thr).

Eurofins Ntd Llc (ga)
Classification: Uncertain significance. Last evaluated: 2016-12-02. Review status: criteria provided, single submitter. Criteria: EGL Classification Definitions 2015. Collection method: clinical testing. Allele origin: germline. Observed: 1 variant allele, 1 heterozygote.